The following is an entry in ClinVar:

NM_013275.6(ANKRD11):c.3340T>A (p.Tyr1114Asn)

Gene: ANKRD11 (ankyrin repeat domain 11; minus strand). Cytogenetic location: 16q24.3.
Variant type: single nucleotide variant.
Coding change: c.3340T>A on transcript NM_013275.6 (MANE Select); coding-DNA position 3340, T replaced by A.
Protein change: p.Tyr1114Asn; replaces tyrosine 1114 with asparagine.
Molecular consequence: missense variant.
Genome position (GRCh38, 1-based): chr16:89,283,202, A>T on the plus strand (T>A on the coding strand, the complement: ANKRD11 is on the minus strand). VCF-style: chr16-89283202-A-T. GRCh37 (hg19) VCF-style: chr16-89349610-A-T.
Other names: c.3340T>A, p.Tyr1114Asn (NM_001256182.2, NM_001256183.2); short protein forms Y1114N.
Identifiers: ClinVar variation 1476013 (VCV001476013.33), dbSNP rs1461435321, ClinGen allele CA397160025.

ClinVar aggregate classification (germline): Uncertain significance. Review status: criteria provided, multiple submitters, no conflicts (2 of 4 stars). 3 submissions from 3 submitters: Uncertain significance (3). Last evaluated 2025-10-06.

Conditions:
KBG syndrome (KBGS). Also called: ANKRD11-Related KBG Syndrome. Identifiers: Orphanet 2332, MedGen C0220687, MONDO:0007846, OMIM 148050.

Allele frequency attached by ClinVar (database versions not stated): TOPMed below 0.00001; gnomAD 0.00001; gnomAD exomes 0.00002.
gnomAD v4.1: 30 of 1,613,940 alleles (0.0019%); highest among the groups gnomAD compares: Non-Finnish European, 0.0025%; no homozygotes.

Submissions (3):

Labcorp Genetics (formerly Invitae), Labcorp
Classification: Uncertain significance for KBG syndrome. Last evaluated: 2025-10-06. Review status: criteria provided, single submitter. Criteria: Invitae Variant Classification Sherloc (09022015). Collection method: clinical testing. Allele origin: germline.
Comment: This sequence change replaces tyrosine, which is neutral and polar, with asparagine, which is neutral and polar, at codon 1114 of the ANKRD11 protein (p.Tyr1114Asn). This variant is not present in population databases (gnomAD no frequency). This variant has not been reported in the literature in individuals affected with ANKRD11-related conditions. ClinVar contains an entry for this variant (Variation ID: 1476013). Invitae Evidence Modeling of protein sequence and biophysical properties (such as structural, functional, and spatial information, amino acid conservation, physicochemical variation, residue mobility, and thermodynamic stability) has been performed for this missense variant. However, the output from this modeling did not meet the statistical confidence thresholds required to predict the impact of this variant on ANKRD11 protein function. In summary, the available evidence is currently insufficient to determine the role of this variant in disease. Therefore, it has been classified as a Variant of Uncertain Significance.

CeGaT Center for Human Genetics Tuebingen
Classification: Uncertain significance. Last evaluated: 2022-03-01. Review status: criteria provided, single submitter. Criteria: CeGaT Center For Human Genetics Tuebingen Variant Classification Criteria Version 2. Collection method: clinical testing. Allele origin: germline. Affected: yes. Observed: 1 variant allele.
Comment: ANKRD11: PP3, BP5

Fulgent Genetics
Classification: Uncertain significance for KBG syndrome. Last evaluated: 2021-07-21. Review status: criteria provided, single submitter. Criteria: ACMG Guidelines, 2015. Collection method: clinical testing. Allele origin: unknown.